The following is an entry in ClinVar:

NM_006516.4(SLC2A1):c.754A>G (p.Met252Val)

Gene: SLC2A1 (solute carrier family 2 member 1; minus strand). Cytogenetic location: 1p34.2.
Variant type: single nucleotide variant.
Coding change: c.754A>G on transcript NM_006516.4 (MANE Select); coding-DNA position 754, A replaced by G.
Protein change: p.Met252Val; replaces methionine 252 with valine.
Molecular consequence: missense variant.
Genome position (GRCh38, 1-based): chr1:42,929,706, T>C on the plus strand (A>G on the coding strand, the complement: SLC2A1 is on the minus strand). VCF-style: chr1-42929706-T-C. GRCh37 (hg19) VCF-style: chr1-43395377-T-C.
Other names: short protein forms M252V.
Identifiers: ClinVar variation 2192949 (VCV002192949.4), dbSNP rs1013744464, ClinGen allele CA21251114.

ClinVar aggregate classification (germline): Uncertain significance (1 of 4 stars; one submission).

Conditions:
GLUT1 deficiency syndrome 1, autosomal recessive. Identifiers: MedGen C3149117.

Allele frequency attached by ClinVar (database versions not stated): gnomAD exomes below 0.00001; TOPMed below 0.00001; gnomAD 0.00001.
gnomAD v4.1: 3 of 1,613,870 alleles (0.00019%); highest among the groups gnomAD compares: African/African-American, 0.004%; no homozygotes.

Submission:

Labcorp Genetics (formerly Invitae), Labcorp
Classification: Uncertain significance for GLUT1 deficiency syndrome 1, autosomal recessive. Last evaluated: 2022-04-26. Review status: criteria provided, single submitter. Criteria: Invitae Variant Classification Sherloc (09022015). Collection method: clinical testing. Allele origin: germline.
Comment: This variant has not been reported in the literature in individuals affected with SLC2A1-related conditions. This variant is not present in population databases (gnomAD no frequency). This sequence change replaces methionine, which is neutral and non-polar, with valine, which is neutral and non-polar, at codon 252 of the SLC2A1 protein (p.Met252Val). Advanced modeling of protein sequence and biophysical properties (such as structural, functional, and spatial information, amino acid conservation, physicochemical variation, residue mobility, and thermodynamic stability) performed at Invitae indicates that this missense variant is not expected to disrupt SLC2A1 protein function. In summary, the available evidence is currently insufficient to determine the role of this variant in disease. Therefore, it has been classified as a Variant of Uncertain Significance.